The following is an entry in ClinVar:

ClinVar aggregate classification (germline): Benign/Likely benign. Review status: criteria provided, multiple submitters, no conflicts (2 of 4 stars). 4 submissions from 4 submitters: Benign (1); Likely benign (3). Last evaluated 2026-01-19.

Conditions:
Hereditary cancer-predisposing syndrome. Also called: Tumor predisposition; Hereditary neoplastic syndrome; Neoplastic Syndromes, Hereditary; Hereditary Cancer Syndrome. Identifiers: Orphanet 140162, MedGen C0027672, MeSH D009386, MONDO:0015356.
Fanconi anemia complementation group J. Also called: BRIP1-Related Fanconi Anemia. Identifiers: Orphanet 84, MedGen C1836860, MONDO:0012187, OMIM 609054.
Familial cancer of breast. Also called: BREAST CANCER, FAMILIAL; hereditary breast carcinoma; Hereditary breast cancer. Identifiers: Orphanet 227535, MedGen C0346153, MONDO:0016419, OMIM 114480. Disease mechanism: loss of function.

Allele frequency attached by ClinVar (database versions not stated): gnomAD exomes below 0.00001; ExAC 0.00001; gnomAD 0.00001; 1000 Genomes Project 30x 0.00016; 1000 Genomes Project 0.00020.
gnomAD v4.1: 1 of 1,593,712 alleles (0.000063%); highest among the groups gnomAD compares: East Asian, 0.0023%; no homozygotes.

Submissions (4):

Labcorp Genetics (formerly Invitae), Labcorp
Classification: Likely benign for Familial cancer of breast; Fanconi anemia complementation group J. Last evaluated: 2026-01-19. Review status: criteria provided, single submitter. Criteria: Invitae Variant Classification Sherloc (09022015). Collection method: clinical testing. Allele origin: germline.

Myriad Genetics, Inc.
Classification: Benign for Familial cancer of breast. Last evaluated: 2024-09-04. Review status: criteria provided, single submitter. Criteria: Myriad Autosomal Dominant, Autosomal Recessive and X-Linked Classification Criteria (2023). Collection method: clinical testing. Allele origin: unknown.
Comment: This variant is considered benign. This variant is a silent/synonymous amino acid change and it is not expected to impact splicing.

Ambry Genetics
Classification: Likely benign for Hereditary cancer-predisposing syndrome. Last evaluated: 2021-04-20. Review status: criteria provided, single submitter. Criteria: Ambry Variant Classification Scheme 2023. Collection method: clinical testing. Allele origin: germline.

Color Diagnostics, LLC DBA Color Health
Classification: Likely benign for Hereditary cancer-predisposing syndrome. Last evaluated: 2019-04-23. Review status: criteria provided, single submitter. Criteria: ACMG Guidelines, 2015. Collection method: clinical testing. Allele origin: germline.

NM_032043.3(BRIP1):c.2394A>T (p.Arg798=)

Gene: BRIP1 (BRCA1 interacting DNA helicase 1; minus strand). Cytogenetic location: 17q23.2.
Variant type: single nucleotide variant.
Coding change: c.2394A>T on transcript NM_032043.3 (MANE Select); coding-DNA position 2394, A replaced by T.
Protein change: p.Arg798=; no amino-acid change (arginine 798 retained).
Molecular consequence: synonymous variant.
Genome position (GRCh38, 1-based): chr17:61,716,049, T>A on the plus strand (A>T on the coding strand, the complement: BRIP1 is on the minus strand). VCF-style: chr17-61716049-T-A. GRCh37 (hg19) VCF-style: chr17-59793410-T-A.
Identifiers: ClinVar variation 926034 (VCV000926034.14), dbSNP rs540236878, ClinGen allele CA8690535.